The following is an entry in ClinVar:

NM_005422.4(TECTA):c.1841G>T (p.Cys614Phe)

Genes: TBCEL-TECTA (TBCEL-TECTA readthrough; plus strand), TECTA (tectorin alpha; plus strand). Cytogenetic location: 11q23.3.
Variant type: single nucleotide variant.
Coding change: c.1841G>T on transcript NM_005422.4 (MANE Select); coding-DNA position 1841, G replaced by T.
Protein change: p.Cys614Phe; replaces cysteine 614 with phenylalanine.
Molecular consequence: missense variant.
Genome position (GRCh38, 1-based): chr11:121,127,818, G>T. VCF-style: chr11-121127818-G-T. GRCh37 (hg19) VCF-style: chr11-120998527-G-T.
Other names: c.2798G>T, p.Cys933Phe (NM_001378761.1); short protein forms C614F, C933F.
Identifiers: ClinVar variation 2505036 (VCV002505036.1), dbSNP rs2496921102, ClinGen allele CA383013308.
Genomic context (GRCh38, chr11:121,127,818, plus strand): 5'-CAGTGCAGTGCCCGAGCTTCAGCCACTACTCCGTGTGCACAAGCAGCTGCCCCGACACAT[G>T]CTCCGACCTGACGGCCTCGCGGAACTGCGCCACGCCGTGCACAGAGGGCTGCGAGTGCAA-3'
Protein context (NP_005413.2, residues 604-624): SVCTSSCPDT[Cys614Phe]SDLTASRNCA

ClinVar aggregate classification (germline): Uncertain significance (1 of 4 stars; one submission).

Submission:

GeneDx
Classification: Uncertain significance. Last evaluated: 2022-12-07. Review status: criteria provided, single submitter. Criteria: GeneDx Variant Classification Process June 2021. Collection method: clinical testing. Allele origin: germline. Affected: yes.
Comment: Not observed at significant frequency in large population cohorts (gnomAD); In silico analysis supports that this missense variant has a deleterious effect on protein structure/function; Has not been previously published as pathogenic or benign to our knowledge; This variant is associated with the following publications: (PMID: 21520338, 31554319, 9590290)